The following is an entry in ClinVar:

NM_001378120.1(MBD5):c.267T>C (p.Asp89=)

Gene: MBD5 (methyl-CpG binding domain protein 5; plus strand). Cytogenetic location: 2q23.1.
Variant type: single nucleotide variant.
Coding change: c.267T>C on transcript NM_001378120.1 (MANE Select); coding-DNA position 267, T replaced by C.
Protein change: p.Asp89=; no amino-acid change (aspartic acid 89 retained).
Molecular consequence: synonymous variant.
Genome position (GRCh38, 1-based): chr2:148,463,789, T>C. VCF-style: chr2-148463789-T-C. GRCh37 (hg19) VCF-style: chr2-149221358-T-C.
Other names: c.267T>C, p.Asp89= (NM_018328.5).
Identifiers: ClinVar variation 211437 (VCV000211437.21), dbSNP rs143333632, ClinGen allele CA205254.
Genomic context (GRCh38, chr2:148,463,789, plus strand): 5'-CTTTTTCCAGGTATTTAATTTTGATCCTGGAGCTGCTGTGAAACAGAGAACCGCAGAAGA[T>C]GTTAAGGCAGATGAAGATGTCACAAAGCTATGCATACATAAAAGAAAAATTATTGCAGTG-3'
Protein context (NP_001365049.1, residues 79-99): GAAVKQRTAE[Asp89=]VKADEDVTKL

ClinVar aggregate classification (germline): Likely benign. Review status: criteria provided, multiple submitters, no conflicts (2 of 4 stars). 5 submissions from 5 submitters: Likely benign (5). Last evaluated 2026-09-01.

Conditions:
Inborn genetic diseases. Identifiers: MedGen C0950123, MeSH D030342.
Intellectual developmental disorder, autosomal dominant 1. Also called: Intellectual disability, autosomal dominant 1; MBD5 Haploinsufficiency. Identifiers: Orphanet 228402, MedGen C1969562, MONDO:0007974, OMIM 156200.

Allele frequency attached by ClinVar (database versions not stated): gnomAD exomes 0.00004 and 0.00010; ExAC 0.00005; TOPMed 0.00005; gnomAD 0.00006; ESP Exome Variant Server 0.00008.
gnomAD v4.1: 152 of 1,613,696 alleles (0.0094%); highest among the groups gnomAD compares: Non-Finnish European, 0.013%; no homozygotes.

Submissions (5):

CeGaT Center for Human Genetics Tuebingen
Classification: Likely benign. Last evaluated: 2026-09-01. Review status: criteria provided, single submitter. Criteria: CeGaT Center For Human Genetics Tuebingen Variant Classification Criteria Version 2. Collection method: clinical testing. Allele origin: germline. Affected: yes. Observed: 1 variant allele.
Comment: MBD5: BP4, BP7

Labcorp Genetics (formerly Invitae), Labcorp
Classification: Likely benign for Intellectual developmental disorder, autosomal dominant 1. Last evaluated: 2025-12-15. Review status: criteria provided, single submitter. Criteria: Invitae Variant Classification Sherloc (09022015). Collection method: clinical testing. Allele origin: germline.

GeneDx
Classification: Likely benign. Last evaluated: 2020-04-01. Review status: criteria provided, single submitter. Criteria: GeneDx Variant Classification Process June 2021. Collection method: clinical testing. Allele origin: germline. Affected: yes.

Ambry Genetics
Classification: Likely benign for Inborn genetic diseases. Last evaluated: 2018-09-29. Review status: criteria provided, single submitter. Criteria: Ambry Variant Classification Scheme 2023. Collection method: clinical testing. Allele origin: germline.

Genetic Services Laboratory, University of Chicago
Classification: Likely benign. Last evaluated: 2017-01-15. Review status: criteria provided, single submitter. Criteria: ACMG Guidelines, 2015. Collection method: clinical testing. Allele origin: germline. Affected: no.